The following is an entry in ClinVar:

NM_002972.4(SBF1):c.788+3G>T

Gene: SBF1 (SET binding factor 1; minus strand). Cytogenetic location: 22q13.33.
Variant type: single nucleotide variant.
Coding change: c.788+3G>T on transcript NM_002972.4 (MANE Select); 3 bases into the intron after coding-DNA position 788, G replaced by T.
Molecular consequence: intron variant.
Genome position (GRCh38, 1-based): chr22:50,466,347, C>A on the plus strand (G>T on the coding strand, the complement: SBF1 is on the minus strand). VCF-style: chr22-50466347-C-A. GRCh37 (hg19) VCF-style: chr22-50904776-C-A.
Other names: c.791+3G>T (NM_001365819.1).
Identifiers: ClinVar variation 1476652 (VCV001476652.6), dbSNP rs1186208967, ClinGen allele CA640356472.

ClinVar aggregate classification (germline): Uncertain significance (1 of 4 stars; one submission).

Allele frequency attached by ClinVar (database versions not stated): gnomAD exomes below 0.00001 and 0.00001; gnomAD 0.00001; TOPMed 0.00001.
gnomAD v4.1: 6 of 1,577,008 alleles (0.00038%); highest among the groups gnomAD compares: Non-Finnish European, 0.00052%; no homozygotes.

Submission:

Labcorp Genetics (formerly Invitae), Labcorp
Classification: Uncertain significance. Last evaluated: 2021-09-15. Review status: criteria provided, single submitter. Criteria: Invitae Variant Classification Sherloc (09022015). Collection method: clinical testing. Allele origin: germline.
Comment: In summary, the available evidence is currently insufficient to determine the role of this variant in disease. Therefore, it has been classified as a Variant of Uncertain Significance. Variants that disrupt the consensus splice site are a relatively common cause of aberrant splicing (PMID: 17576681, 9536098). Algorithms developed to predict the effect of sequence changes on RNA splicing suggest that this variant may disrupt the consensus splice site. This variant has not been reported in the literature in individuals affected with SBF1-related conditions. This variant is not present in population databases (ExAC no frequency). This sequence change falls in intron 7 of the SBF1 gene. It does not directly change the encoded amino acid sequence of the SBF1 protein. It affects a nucleotide within the consensus splice site of the intron.

Literature cited by the submitters: PubMed 17576681; PubMed 9536098.